The following is an entry in ClinVar:

NM_015040.4(PIKFYVE):c.5486A>G (p.Glu1829Gly)

Gene: PIKFYVE (phosphoinositide kinase, FYVE-type zinc finger containing; plus strand). Cytogenetic location: 2q34.
Variant type: single nucleotide variant.
Coding change: c.5486A>G on transcript NM_015040.4 (MANE Select); coding-DNA position 5486, A replaced by G.
Protein change: p.Glu1829Gly; replaces glutamic acid 1829 with glycine.
Molecular consequence: missense variant.
Genome position (GRCh38, 1-based): chr2:208,350,822, A>G. VCF-style: chr2-208350822-A-G. GRCh37 (hg19) VCF-style: chr2-209215546-A-G.
Other names: short protein forms E1829G.
Identifiers: ClinVar variation 3776355 (VCV003776355.1).

ClinVar aggregate classification (germline): Uncertain significance (1 of 4 stars; one submission).

Submission:

GeneDx
Classification: Uncertain significance. Last evaluated: 2024-10-03. Review status: criteria provided, single submitter. Criteria: GeneDx Variant Classification Process June 2021. Collection method: clinical testing. Allele origin: germline. Affected: yes.
Comment: Not observed at significant frequency in large population cohorts (gnomAD); In silico analysis supports that this missense variant has a deleterious effect on protein structure/function; Has not been previously published as pathogenic or benign to our knowledge